The following is an entry in ClinVar:

NM_001130965.3(SUN1):c.536C>T (p.Ala179Val)

Gene: SUN1 (Sad1 and UNC84 domain containing 1; plus strand). Cytogenetic location: 7p22.3.
Variant type: single nucleotide variant.
Coding change: c.536C>T on transcript NM_001130965.3 (MANE Select); coding-DNA position 536, C replaced by T.
Protein change: p.Ala179Val; replaces alanine 179 with valine.
Molecular consequence: missense variant. On other transcripts: 5 prime UTR variant (3), non-coding transcript variant (3), intron variant (1).
Genome position (GRCh38, 1-based): chr7:843,398, C>T. VCF-style: chr7-843398-C-T. GRCh37 (hg19) VCF-style: chr7-883035-C-T.
Other names: c.599C>T, p.Ala200Val (NM_001171945.2); c.536C>T, p.Ala179Val (NM_001171946.2, NM_001367633.1, NM_001367634.1 and 32 more transcripts); c.79C>T, p.Arg27Cys (NM_001367635.1); c.386C>T, p.Ala129Val (NM_001367636.1, NM_001367644.1, NM_001367645.1 and 23 more transcripts); c.-32C>T (NM_001367639.1, NM_001367708.1); c.755C>T, p.Ala252Val (NM_001367651.1); c.-226C>T (NM_001367658.1); c.563C>T, p.Ala188Val (NM_001367669.1); and 2 more; short protein forms A129V, A179V, A116V, A188V, A200V, A252V, R27C.
Identifiers: ClinVar variation 655110 (VCV000655110.8), dbSNP rs368473097, ClinGen allele CA4111588.

ClinVar aggregate classification (germline): Uncertain significance (1 of 4 stars; one submission).

Conditions:
Emery-Dreifuss muscular dystrophy (EDMD). Also called: Scapuloperoneal syndrome, X-linked (formerly); Humeroperoneal neuromuscular disease, (formerly). Identifiers: Orphanet 261, MedGen C0410189, MONDO:0016830.

Allele frequency attached by ClinVar (database versions not stated): TOPMed below 0.00001; ExAC 0.00001; gnomAD exomes 0.00001; ESP Exome Variant Server 0.00008.
gnomAD v4.1: 18 of 1,612,796 alleles (0.0011%); highest among the groups gnomAD compares: East Asian, 0.0045%; no homozygotes.

Submission:

Labcorp Genetics (formerly Invitae), Labcorp
Classification: Uncertain significance for Emery-Dreifuss muscular dystrophy. Last evaluated: 2024-05-16. Review status: criteria provided, single submitter. Criteria: Invitae Variant Classification Sherloc (09022015). Collection method: clinical testing. Allele origin: germline.
Comment: This sequence change replaces alanine, which is neutral and non-polar, with valine, which is neutral and non-polar, at codon 179 of the SUN1 protein (p.Ala179Val). This variant is present in population databases (rs368473097, gnomAD 0.007%). This variant has not been reported in the literature in individuals affected with SUN1-related conditions. ClinVar contains an entry for this variant (Variation ID: 655110). An algorithm developed to predict the effect of missense changes on protein structure and function (PolyPhen-2) suggests that this variant is likely to be tolerated. In summary, the available evidence is currently insufficient to determine the role of this variant in disease. Therefore, it has been classified as a Variant of Uncertain Significance.